The following is an entry in ClinVar:

NM_005120.3(MED12):c.2360C>G (p.Thr787Arg)

Gene: MED12 (mediator complex subunit 12; plus strand). Cytogenetic location: Xq13.1.
Variant type: single nucleotide variant.
Coding change: c.2360C>G on transcript NM_005120.3 (MANE Select); coding-DNA position 2360, C replaced by G.
Protein change: p.Thr787Arg; replaces threonine 787 with arginine.
Molecular consequence: missense variant.
Genome position (GRCh38, 1-based): chrX:71,125,484, C>G. VCF-style: chrX-71125484-C-G. GRCh37 (hg19) VCF-style: chrX-70345334-C-G.
Other names: short protein forms T787R.
Identifiers: ClinVar variation 2417458 (VCV002417458.8), dbSNP rs2147793402, ClinGen allele CA413514648.

ClinVar aggregate classification (germline): Uncertain significance (1 of 4 stars; one submission).

Conditions:
FG syndrome (FGS). Identifiers: MedGen C0220769, MONDO:0002010.

Submission:

Labcorp Genetics (formerly Invitae), Labcorp
Classification: Uncertain significance for FG syndrome. Last evaluated: 2022-04-01. Review status: criteria provided, single submitter. Criteria: Invitae Variant Classification Sherloc (09022015). Collection method: clinical testing. Allele origin: germline.
Comment: This sequence change replaces threonine, which is neutral and polar, with arginine, which is basic and polar, at codon 787 of the MED12 protein (p.Thr787Arg). This variant is not present in population databases (gnomAD no frequency). This variant has not been reported in the literature in individuals affected with MED12-related conditions. Algorithms developed to predict the effect of missense changes on protein structure and function (SIFT, PolyPhen-2, Align-GVGD) all suggest that this variant is likely to be disruptive. In summary, the available evidence is currently insufficient to determine the role of this variant in disease. Therefore, it has been classified as a Variant of Uncertain Significance.